The following is an entry in ClinVar:

ClinVar aggregate classification (germline): Uncertain significance (1 of 4 stars; one submission).

Submission:

GeneDx
Classification: Uncertain significance. Last evaluated: 2023-12-03. Review status: criteria provided, single submitter. Criteria: GeneDx Variant Classification Process June 2021. Collection method: clinical testing. Allele origin: germline. Affected: yes.
Comment: Not observed at significant frequency in large population cohorts (gnomAD); In silico analysis supports that this missense variant has a deleterious effect on protein structure/function; Has not been previously published as pathogenic or benign to our knowledge

NM_000719.7(CACNA1C):c.3877G>C (p.Gly1293Arg)

Gene: CACNA1C (calcium voltage-gated channel subunit alpha1 C; plus strand). Cytogenetic location: 12p13.33.
Variant type: single nucleotide variant.
Coding change: c.3877G>C on transcript NM_000719.7 (MANE Select); coding-DNA position 3877, G replaced by C.
Protein change: p.Gly1293Arg; replaces glycine 1293 with arginine.
Molecular consequence: missense variant. On other transcripts: intron variant (6).
Genome position (GRCh38, 1-based): chr12:2,634,345, G>C. VCF-style: chr12-2634345-G-C. GRCh37 (hg19) VCF-style: chr12-2743511-G-C.
Other names: c.4021G>C, p.Gly1341Arg (NM_001129827.2, NM_199460.4); c.3877G>C, p.Gly1293Arg (NM_001129829.2, NM_001129830.3, NM_001129834.2 and 8 more transcripts); c.3961G>C, p.Gly1321Arg (NM_001129831.2, NM_001129836.2); c.3937G>C, p.Gly1313Arg (NM_001129832.2); c.3912+633G>C (NM_001167624.3, NM_001167623.2, NM_001129833.2 and 2 more transcripts); c.3903+633G>C (NM_001129844.2); short protein forms G1293R, G1313R, G1321R, G1341R.
Identifiers: ClinVar variation 3252205 (VCV003252205.1), dbSNP rs2524411620.
Genomic context (GRCh38, chr12:2,634,345, plus strand): 5'-TGCCCCATGCAGCACTATTTCTGTGATGCATGGAATACATTTGACGCCTTGATTGTTGTG[G>C]GTAGCATTGTTGATATAGCAATCACCGAGGTAAACGTAAGTACATGGCGTCTGTCCCTAA-3'
Protein context (NP_000710.5, residues 1283-1303): WNTFDALIVV[Gly1293Arg]SIVDIAITEV